The following is an entry in ClinVar:

ClinVar aggregate classification (germline): Uncertain significance (1 of 4 stars; one submission).

Conditions:
Inborn genetic diseases. Identifiers: MedGen C0950123, MeSH D030342.

Submission:

Ambry Genetics
Classification: Uncertain significance for Inborn genetic diseases. Last evaluated: 2024-10-19. Review status: criteria provided, single submitter. Criteria: Ambry Variant Classification Scheme 2023. Collection method: clinical testing. Allele origin: germline.
Comment: The p.M328T variant (also known as c.983T>C), located in coding exon 4 of the ATR gene, results from a T to C substitution at nucleotide position 983. The methionine at codon 328 is replaced by threonine, an amino acid with similar properties. This amino acid position is conserved. In addition, this alteration is predicted to be tolerated by in silico analysis. Based on the available evidence, the clinical significance of this variant remains unclear.

NM_001184.4(ATR):c.983T>C (p.Met328Thr)

Gene: ATR (ATR serine/threonine kinase; minus strand). Cytogenetic location: 3q23.
Variant type: single nucleotide variant.
Coding change: c.983T>C on transcript NM_001184.4 (MANE Select); coding-DNA position 983, T replaced by C.
Protein change: p.Met328Thr; replaces methionine 328 with threonine.
Molecular consequence: missense variant.
Genome position (GRCh38, 1-based): chr3:142,562,419, A>G on the plus strand (T>C on the coding strand, the complement: ATR is on the minus strand). VCF-style: chr3-142562419-A-G. GRCh37 (hg19) VCF-style: chr3-142281261-A-G.
Other names: c.983T>C, p.Met328Thr (NM_001354579.2); short protein forms M328T.
Identifiers: ClinVar variation 3463130 (VCV003463130.1).